The following is an entry in ClinVar:

ClinVar aggregate classification (germline): Uncertain significance (1 of 4 stars; one submission).

Submission:

GeneDx
Classification: Uncertain significance. Last evaluated: 2024-08-16. Review status: criteria provided, single submitter. Criteria: GeneDx Variant Classification Process June 2021. Collection method: clinical testing. Allele origin: germline. Affected: yes.
Comment: Not observed at significant frequency in large population cohorts (gnomAD); In silico analysis indicates that this missense variant does not alter protein structure/function; Has not been previously published as pathogenic or benign to our knowledge

NM_015557.3(CHD5):c.1964T>C (p.Leu655Pro)

Gene: CHD5 (chromodomain helicase DNA binding protein 5; minus strand). Cytogenetic location: 1p36.31.
Variant type: single nucleotide variant.
Coding change: c.1964T>C on transcript NM_015557.3 (MANE Select); coding-DNA position 1964, T replaced by C.
Protein change: p.Leu655Pro; replaces leucine 655 with proline.
Molecular consequence: missense variant.
Genome position (GRCh38, 1-based): chr1:6,143,902, A>G on the plus strand (T>C on the coding strand, the complement: CHD5 is on the minus strand). VCF-style: chr1-6143902-A-G. GRCh37 (hg19) VCF-style: chr1-6203962-A-G.
Other names: short protein forms L655P.
Identifiers: ClinVar variation 3764290 (VCV003764290.1).